The following is an entry in ClinVar:

ClinVar aggregate classification (germline): Uncertain significance (1 of 4 stars; one submission).

Submission:

Ambry Genetics
Classification: Uncertain significance. Last evaluated: 2023-03-29. Review status: criteria provided, single submitter. Criteria: Ambry Variant Classification Scheme 2023. Collection method: clinical testing. Allele origin: germline.
Comment: The p.D124G variant (also known as c.371A>G), located in coding exon 1 of the EGLN2 gene, results from an A to G substitution at nucleotide position 371. The aspartic acid at codon 124 is replaced by glycine, an amino acid with similar properties. This amino acid position is conserved. In addition, this alteration is predicted to be tolerated by in silico analysis. Since supporting evidence is limited at this time, the clinical significance of this alteration remains unclear.

NM_080732.4(EGLN2):c.371A>G (p.Asp124Gly)

Genes: EGLN2 (egl-9 family hypoxia inducible factor 2; plus strand), RAB4B-EGLN2 (RAB4B-EGLN2 readthrough (NMD candidate); plus strand). Cytogenetic location: 19q13.2.
Variant type: single nucleotide variant.
Coding change: c.371A>G on transcript NM_080732.4 (MANE Select); coding-DNA position 371, A replaced by G.
Protein change: p.Asp124Gly; replaces aspartic acid 124 with glycine.
Molecular consequence: missense variant. On other transcripts: non-coding transcript variant (1).
Genome position (GRCh38, 1-based): chr19:40,800,943, A>G. VCF-style: chr19-40800943-A-G. GRCh37 (hg19) VCF-style: chr19-41306848-A-G.
Other names: c.371A>G, p.Asp124Gly (NM_053046.4); short protein forms D124G.
Identifiers: ClinVar variation 2564151 (VCV002564151.2), dbSNP rs2515993803, ClinGen allele CA405955110.
Genomic context (GRCh38, chr19:40,800,943, plus strand): 5'-GCCAGCGATTGGCAGCCCAGGGCGCACGGCCTGAGGCCCCCAAACGGAAATGGGCCGAGG[A>G]TGGTGGGGATGCCCCTTCACCCAGCAAACGGCCCTGGGCCAGGCAAGAGAACCAGGAGGC-3'
Protein context (NP_542770.2, residues 114-134): PEAPKRKWAE[Asp124Gly]GGDAPSPSKR